The following is an entry in ClinVar:

NM_000135.4(FANCA):c.1566+5G>A

Gene: FANCA (FA complementation group A; minus strand). Cytogenetic location: 16q24.3.
Variant type: single nucleotide variant.
Coding change: c.1566+5G>A on transcript NM_000135.4 (MANE Select); 5 bases into the intron after coding-DNA position 1566, G replaced by A.
Molecular consequence: intron variant.
Genome position (GRCh38, 1-based): chr16:89,783,002, C>T on the plus strand (G>A on the coding strand, the complement: FANCA is on the minus strand). VCF-style: chr16-89783002-C-T. GRCh37 (hg19) VCF-style: chr16-89849410-C-T.
Other names: c.1566+5G>A (NM_001286167.3).
Identifiers: ClinVar variation 1504198 (VCV001504198.6), dbSNP rs760087031, ClinGen allele CA8252273.

ClinVar aggregate classification (germline): Uncertain significance (1 of 4 stars; one submission).

Conditions:
Fanconi anemia (FA). Also called: Fanconi's anemia. Identifiers: Orphanet 84, MedGen C0015625, MeSH D005199, MONDO:0019391.

Allele frequency attached by ClinVar (database versions not stated): gnomAD exomes below 0.00001; ExAC 0.00001.
gnomAD v4.1: 2 of 1,613,970 alleles (0.00012%); highest among the groups gnomAD compares: South Asian, 0.0022%; no homozygotes.

Submission:

Labcorp Genetics (formerly Invitae), Labcorp
Classification: Uncertain significance for Fanconi anemia. Last evaluated: 2021-07-12. Review status: criteria provided, single submitter. Criteria: Invitae Variant Classification Sherloc (09022015). Collection method: clinical testing. Allele origin: germline.
Comment: This variant has not been reported in the literature in individuals affected with FANCA-related conditions. This sequence change falls in intron 16 of the FANCA gene. It does not directly change the encoded amino acid sequence of the FANCA protein. It affects a nucleotide within the consensus splice site of the intron. This variant is present in population databases (rs760087031, ExAC 0.006%). In summary, the available evidence is currently insufficient to determine the role of this variant in disease. Therefore, it has been classified as a Variant of Uncertain Significance. Nucleotide substitutions within the consensus splice site are a relatively common cause of aberrant splicing (PMID: 17576681, 9536098). Algorithms developed to predict the effect of sequence changes on RNA splicing suggest that this variant is not likely to affect RNA splicing.

Literature cited by the submitters: PubMed 17576681; PubMed 9536098.